The following is an entry in ClinVar:

ClinVar aggregate classification (germline): Uncertain significance (1 of 4 stars; one submission).

Conditions:
Congenital myotonia, autosomal recessive form. Also called: BECKER DISEASE; Becker Generalized Myotonia; myotonia congenita, autosomal recessive. Identifiers: Orphanet 614, MedGen C0751360, MONDO:0009715, OMIM 255700.
Congenital myotonia, autosomal dominant form (THD). Also called: THOMSEN DISEASE; Myotonia congenita autosomal dominant. Identifiers: Orphanet 614, MedGen C2936781, MONDO:0008055, OMIM 160800.

gnomAD v4.1: 1 of 1,614,234 alleles (0.000062%); no homozygotes.

Submission:

Labcorp Genetics (formerly Invitae), Labcorp
Classification: Uncertain significance for Congenital myotonia, autosomal recessive form; Congenital myotonia, autosomal dominant form. Last evaluated: 2024-02-05. Review status: criteria provided, single submitter. Criteria: Invitae Variant Classification Sherloc (09022015). Collection method: clinical testing. Allele origin: germline.
Comment: This sequence change replaces valine, which is neutral and non-polar, with phenylalanine, which is neutral and non-polar, at codon 202 of the CLCN1 protein (p.Val202Phe). This variant is not present in population databases (gnomAD no frequency). This variant has not been reported in the literature in individuals affected with CLCN1-related conditions. ClinVar contains an entry for this variant (Variation ID: 1959055). Advanced modeling of protein sequence and biophysical properties (such as structural, functional, and spatial information, amino acid conservation, physicochemical variation, residue mobility, and thermodynamic stability) has been performed at Invitae for this missense variant, however the output from this modeling did not meet the statistical confidence thresholds required to predict the impact of this variant on CLCN1 protein function. In summary, the available evidence is currently insufficient to determine the role of this variant in disease. Therefore, it has been classified as a Variant of Uncertain Significance.

NM_000083.3(CLCN1):c.604G>T (p.Val202Phe)

Gene: CLCN1 (chloride voltage-gated channel 1; plus strand). Cytogenetic location: 7q34.
Variant type: single nucleotide variant.
Coding change: c.604G>T on transcript NM_000083.3 (MANE Select); coding-DNA position 604, G replaced by T.
Protein change: p.Val202Phe; replaces valine 202 with phenylalanine.
Molecular consequence: missense variant. On other transcripts: non-coding transcript variant (1).
Genome position (GRCh38, 1-based): chr7:143,321,756, G>T. VCF-style: chr7-143321756-G-T. GRCh37 (hg19) VCF-style: chr7-143018849-G-T.
Other names: short protein forms V202F.
Identifiers: ClinVar variation 1959055 (VCV001959055.4), dbSNP rs1586485968, ClinGen allele CA369684472.